The following is an entry in ClinVar:

ClinVar aggregate classification (germline): Uncertain significance (1 of 4 stars; one submission).

Submission:

CeGaT Center for Human Genetics Tuebingen
Classification: Uncertain significance. Last evaluated: 2025-03-01. Review status: criteria provided, single submitter. Criteria: CeGaT Center For Human Genetics Tuebingen Variant Classification Criteria Version 2. Collection method: clinical testing. Allele origin: germline. Affected: yes. Observed: 1 variant allele.
Comment: RFX7: PM2

NM_022841.7(RFX7):c.845T>C (p.Ile282Thr)

Gene: RFX7 (regulatory factor X7; minus strand). Cytogenetic location: 15q21.3.
Variant type: single nucleotide variant.
Coding change: c.845T>C on transcript NM_022841.7 (MANE Select); coding-DNA position 845, T replaced by C.
Protein change: p.Ile282Thr; replaces isoleucine 282 with threonine.
Molecular consequence: missense variant.
Genome position (GRCh38, 1-based): chr15:56,098,343, A>G on the plus strand (T>C on the coding strand, the complement: RFX7 is on the minus strand). VCF-style: chr15-56098343-A-G. GRCh37 (hg19) VCF-style: chr15-56390541-A-G.
Other names: c.554T>C, p.Ile185Thr (NM_001368073.2, NM_001368074.1, NM_001370554.1); c.845T>C, p.Ile282Thr (NM_001370561.1); short protein forms I185T, I282T.
Identifiers: ClinVar variation 3778400 (VCV003778400.7).